The following is an entry in ClinVar:

NM_001378452.1(ITPR1):c.3654G>C (p.Met1218Ile)

Gene: ITPR1 (inositol 1,4,5-trisphosphate receptor type 1; plus strand). Cytogenetic location: 3p26.1.
Variant type: single nucleotide variant.
Coding change: c.3654G>C on transcript NM_001378452.1 (MANE Select); coding-DNA position 3654, G replaced by C.
Protein change: p.Met1218Ile; replaces methionine 1218 with isoleucine.
Molecular consequence: missense variant.
Genome position (GRCh38, 1-based): chr3:4,685,158, G>C. VCF-style: chr3-4685158-G-C. GRCh37 (hg19) VCF-style: chr3-4726842-G-C.
Other names: c.3627G>C, p.Met1209Ile (NM_001099952.4); c.3609G>C, p.Met1203Ile (NM_001168272.2); c.3582G>C, p.Met1194Ile (NM_002222.7); short protein forms M1194I, M1203I, M1209I, M1218I.
Identifiers: ClinVar variation 2412929 (VCV002412929.3), dbSNP rs2469800626, ClinGen allele CA351651636.

ClinVar aggregate classification (germline): Uncertain significance (1 of 4 stars; one submission).

Submission:

GeneDx
Classification: Uncertain significance. Last evaluated: 2022-07-25. Review status: criteria provided, single submitter. Criteria: GeneDx Variant Classification Process June 2021. Collection method: clinical testing. Allele origin: germline. Affected: yes.
Comment: Not observed at significant frequency in large population cohorts (gnomAD); In silico analysis supports that this missense variant does not alter protein structure/function; Has not been previously published as pathogenic or benign to our knowledge